The following is an entry in ClinVar:

NM_007194.4(CHEK2):c.353A>G (p.Asp118Gly)

Gene: CHEK2 (checkpoint kinase 2; minus strand). Cytogenetic location: 22q12.1.
Variant type: single nucleotide variant.
Coding change: c.353A>G on transcript NM_007194.4 (MANE Select); coding-DNA position 353, A replaced by G.
Protein change: p.Asp118Gly; replaces aspartic acid 118 with glycine.
Molecular consequence: missense variant.
Genome position (GRCh38, 1-based): chr22:28,725,334, T>C on the plus strand (A>G on the coding strand, the complement: CHEK2 is on the minus strand). VCF-style: chr22-28725334-T-C. GRCh37 (hg19) VCF-style: chr22-29121322-T-C.
Other names: c.482A>G, p.Asp161Gly (NM_001005735.3); c.-425A>G (NM_001257387.3); c.353A>G, p.Asp118Gly (NM_001349956.3, NM_145862.3); short protein forms D118G, D161G.
Identifiers: ClinVar variation 496345 (VCV000496345.6), dbSNP rs1555927328, ClinGen allele CA411108182.

ClinVar aggregate classification (germline): Uncertain significance. Review status: criteria provided, multiple submitters, no conflicts (2 of 4 stars). 3 submissions from 3 submitters: Uncertain significance (3). Last evaluated 2024-02-27.

Conditions:
Hereditary cancer-predisposing syndrome. Also called: Tumor predisposition; Neoplastic Syndromes, Hereditary; Hereditary neoplastic syndrome; Hereditary Cancer Syndrome. Identifiers: Orphanet 140162, MedGen C0027672, MeSH D009386, MONDO:0015356.
Familial cancer of breast. Also called: Hereditary breast cancer; hereditary breast carcinoma; BREAST CANCER, FAMILIAL. Identifiers: Orphanet 227535, MedGen C0346153, MONDO:0016419, OMIM 114480. Disease mechanism: loss of function.

Submissions (3):

Ambry Genetics
Classification: Uncertain significance for Hereditary cancer-predisposing syndrome. Last evaluated: 2024-02-27. Review status: criteria provided, single submitter. Criteria: Ambry Variant Classification Scheme 2023. Collection method: clinical testing. Allele origin: germline.
Comment: The p.D118G variant (also known as c.353A>G), located in coding exon 2 of the CHEK2 gene, results from an A to G substitution at nucleotide position 353. The aspartic acid at codon 118 is replaced by glycine, an amino acid with similar properties. This amino acid position is highly conserved in available vertebrate species. In addition, this alteration is predicted to be deleterious by in silico analysis. Based on the available evidence, the clinical significance of this alteration remains unclear.

Labcorp Genetics (formerly Invitae), Labcorp
Classification: Uncertain significance for Familial cancer of breast. Last evaluated: 2023-08-28. Review status: criteria provided, single submitter. Criteria: Invitae Variant Classification Sherloc (09022015). Collection method: clinical testing. Allele origin: germline.
Comment: In summary, the available evidence is currently insufficient to determine the role of this variant in disease. Therefore, it has been classified as a Variant of Uncertain Significance. An algorithm developed to predict the effect of missense changes on protein structure and function (PolyPhen-2) suggests that this variant is likely to be tolerated. ClinVar contains an entry for this variant (Variation ID: 496345). This variant has not been reported in the literature in individuals affected with CHEK2-related conditions. This variant is not present in population databases (gnomAD no frequency). This sequence change replaces aspartic acid, which is acidic and polar, with glycine, which is neutral and non-polar, at codon 118 of the CHEK2 protein (p.Asp118Gly).

Women's Health and Genetics/Laboratory Corporation of America, LabCorp
Classification: Uncertain significance. Last evaluated: 2017-04-20. Review status: criteria provided, single submitter. Criteria: LabCorp Variant Classification Summary - May 2015. Collection method: clinical testing. Allele origin: germline.
Comment: Variant summary: The CHEK2 c.353A>G (p.Asp118Gly) variant involves the alteration of a conserved nucleotide. 2/4 in silico tools predict a benign outcome for this variant (SNPs&GO not captured due to low reliability index). This variant is absent in 121268 control chromosomes. The variant of interest has not, to our knowledge, been reported in affected individuals via publications and/or reputable databases/clinical diagnostic laboratories; nor evaluated for functional impact by in vivo/vitro studies. Because of the absence of clinical information and the lack of functional studies, the variant is classified as a variant of uncertain significance (VUS) until additional information becomes available.